The following is an entry in ClinVar:

NC_000001.10:g.(?_235543365)_(235922919_?)del

Genes: TBCE (tubulin folding cofactor E; plus strand), B3GALNT2 (beta-1,3-N-acetylgalactosaminyltransferase 2; minus strand), GNG4 (G protein subunit gamma 4; minus strand), LYST (lysosomal trafficking regulator; minus strand). Cytogenetic location: 1q42.3.
Variant type: Deletion.
Identifiers: ClinVar variation 1490158 (VCV001490158.7).

ClinVar aggregate classification (germline): Pathogenic (1 of 4 stars; one submission).

Conditions:
Chédiak-Higashi syndrome (CHS). Also called: Chediak-Higashi Syndrome. Identifiers: Orphanet 167, MedGen C0007965, MONDO:0008963, OMIM 214500.

Submission:

Labcorp Genetics (formerly Invitae), Labcorp
Classification: Pathogenic for Chédiak-Higashi syndrome. Last evaluated: 2022-11-01. Review status: criteria provided, single submitter. Criteria: Invitae Variant Classification Sherloc (09022015). Collection method: clinical testing. Allele origin: germline.
Comment: For these reasons, this variant has been classified as Pathogenic. This variant disrupts a region of the LYST protein in which other variant(s) (Deletion (Exons 46-48)) have been determined to be pathogenic (Invitae). This suggests that this is a clinically significant region of the protein, and that variants that disrupt it are likely to be disease-causing. A similar copy number variant has been observed in individual(s) with clinical features of LYST-related conditions (Invitae). In at least one individual the data is consistent with being in trans (on the opposite chromosome) from a pathogenic variant. This variant is a gross deletion of the genomic region encompassing exon(s) 23-53 of the LYST gene, which includes the termination codon. This deletion extends beyond the assayed region for this gene and therefore may encompass additional genes. While this deletion is not anticipated to lead to nonsense mediated decay, it is expected to alter mRNA translation or result in a truncated protein product.